The following is an entry in ClinVar:

ClinVar aggregate classification (germline): Likely benign (1 of 4 stars; one submission).

Allele frequency attached by ClinVar (database versions not stated): gnomAD exomes 0.00050; TOPMed 0.00491; gnomAD 0.00641 and 0.00669; 1000 Genomes Project 30x 0.00843; 1000 Genomes Project 0.00899.

Submission:

GeneDx
Classification: Likely benign. Last evaluated: 2018-06-16. Review status: criteria provided, single submitter. Criteria: GeneDx Variant Classification (06012015). Collection method: clinical testing. Allele origin: germline. Affected: yes.
Comment: This variant is considered likely benign or benign based on one or more of the following criteria: it is a conservative change, it occurs at a poorly conserved position in the protein, it is predicted to be benign by multiple in silico algorithms, and/or has population frequency not consistent with disease.

NM_020745.4(AARS2):c.2793+105G>A

Gene: AARS2 (alanyl-tRNA synthetase 2, mitochondrial; minus strand). Cytogenetic location: 6p21.1.
Variant type: single nucleotide variant.
Coding change: c.2793+105G>A on transcript NM_020745.4 (MANE Select); 105 bases into the intron after coding-DNA position 2793, G replaced by A.
Molecular consequence: intron variant.
Genome position (GRCh38, 1-based): chr6:44,301,051, C>T on the plus strand (G>A on the coding strand, the complement: AARS2 is on the minus strand). VCF-style: chr6-44301051-C-T. GRCh37 (hg19) VCF-style: chr6-44268788-C-T.
Identifiers: ClinVar variation 675493 (VCV000675493.1), dbSNP rs150658816, ClinGen allele CA138384122.
Genomic context (GRCh38, chr6:44,301,051, plus strand): 5'-CTGTTTTCAGGAACAAGGAGATTCCCCATCCCTGTCCTGGAGTATCCTCATAGATACTTC[C>T]ACCCAGCCTTGGCCCCTTTGGGAGGAATTAAAGGTGTAAAATCAGAGAGCTGGACCAGGA-3'